The following is an entry in ClinVar:

NM_173593.4(B4GALNT3):c.1271-1G>C

Gene: B4GALNT3 (beta-1,4-N-acetyl-galactosaminyltransferase 3; plus strand). Cytogenetic location: 12p13.33.
Variant type: single nucleotide variant.
Coding change: c.1271-1G>C on transcript NM_173593.4 (MANE Select); the canonical splice acceptor site of the intron before coding-DNA position 1271, G replaced by C.
Molecular consequence: splice acceptor variant.
Genome position (GRCh38, 1-based): chr12:553,193, G>C. VCF-style: chr12-553193-G-C. GRCh37 (hg19) VCF-style: chr12-662359-G-C.
Identifiers: ClinVar variation 3256924 (VCV003256924.1).

ClinVar aggregate classification (germline): Likely pathogenic (1 of 4 stars; one submission).

Conditions:
Susceptibility to severe COVID-19.

Submission:

Molecular Medicine Center, Medical University of Sofia
Classification: Likely pathogenic for Susceptibility to severe COVID-19. Last evaluated: 2024-07-22. Review status: criteria provided, single submitter. Criteria: ACMG Guidelines, 2015. Collection method: research. Allele origin: germline. Affected: yes.
Comment: Novel (unreported in gnomAD or dbSNP until April 2024) variant found in severely infected COVID-19 Bulgarian patients in a research study. Variant is classified as likely pathogenic according to the ACMG criteria: PM2,PVS1.